The following is an entry in ClinVar:

NM_017617.5(NOTCH1):c.773T>C (p.Ile258Thr)

Gene: NOTCH1 (notch receptor 1; minus strand). Cytogenetic location: 9q34.3.
Variant type: single nucleotide variant.
Coding change: c.773T>C on transcript NM_017617.5 (MANE Select); coding-DNA position 773, T replaced by C.
Protein change: p.Ile258Thr; replaces isoleucine 258 with threonine.
Molecular consequence: missense variant.
Genome position (GRCh38, 1-based): chr9:136,519,535, A>G on the plus strand (T>C on the coding strand, the complement: NOTCH1 is on the minus strand). VCF-style: chr9-136519535-A-G. GRCh37 (hg19) VCF-style: chr9-139413987-A-G.
Other names: c.773T>C (NM_017617.3); short protein forms I258T.
Identifiers: ClinVar variation 1431421 (VCV001431421.10), dbSNP rs1217015143, ClinGen allele CA375566729.

ClinVar aggregate classification (germline): Conflicting classifications of pathogenicity. Review status: criteria provided, conflicting classifications (1 of 4 stars). 2 submissions from 2 submitters: Uncertain significance (1); Likely benign (1). Last evaluated 2025-08-31.

Conditions:
Familial thoracic aortic aneurysm and aortic dissection (TAAD). Also called: Thoracic aortic aneurysms and dissections. Identifiers: Orphanet 91387, MedGen C4707243, MONDO:0019625.
Adams-Oliver syndrome 5 (AOS5). Identifiers: Orphanet 974, MedGen C4014970, MONDO:0014459, OMIM 616028.

Allele frequency attached by ClinVar (database versions not stated): gnomAD exomes below 0.00001; TOPMed 0.00001; gnomAD 0.00004.
gnomAD v4.1: 8 of 1,612,818 alleles (0.0005%); highest among the groups gnomAD compares: Admixed American, 0.0067%; no homozygotes.

Submissions (2):

Ambry Genetics
Classification: Uncertain significance for Familial thoracic aortic aneurysm and aortic dissection. Last evaluated: 2025-08-31. Review status: criteria provided, single submitter. Criteria: Ambry Variant Classification Scheme 2023. Collection method: clinical testing. Allele origin: germline.
Comment: The p.I258T variant (also known as c.773T>C), located in coding exon 5 of the NOTCH1 gene, results from a T to C substitution at nucleotide position 773. The isoleucine at codon 258 is replaced by threonine, an amino acid with similar properties. This amino acid position is conserved. In addition, the in silico prediction for this alteration is inconclusive. Based on the available evidence, the clinical significance of this variant remains unclear.

Labcorp Genetics (formerly Invitae), Labcorp
Classification: Likely benign for Adams-Oliver syndrome 5. Last evaluated: 2025-08-20. Review status: criteria provided, single submitter. Criteria: Invitae Variant Classification Sherloc (09022015). Collection method: clinical testing. Allele origin: germline.